The following is an entry in ClinVar:

NM_004174.4(SLC9A3):c.2393T>G (p.Phe798Cys)

Genes: SLC9A3 (solute carrier family 9 member A3), SLC9A3-AS1 (SLC9A3 antisense RNA 1; plus strand). Cytogenetic location: 5p15.33.
Variant type: single nucleotide variant.
Coding change: c.2393T>G on transcript NM_004174.4 (MANE Select); coding-DNA position 2393, T replaced by G.
Protein change: p.Phe798Cys; replaces phenylalanine 798 with cysteine.
Molecular consequence: missense variant.
Genome position (GRCh38, 1-based): chr5:474,991, A>C on the plus strand (T>G on the coding strand, the complement: SLC9A3 is on the minus strand). VCF-style: chr5-474991-A-C. GRCh37 (hg19) VCF-style: chr5-475106-A-C.
Other names: c.2366T>G, p.Phe789Cys (NM_001284351.3); short protein forms F789C, F798C.
Identifiers: ClinVar variation 1468314 (VCV001468314.5), dbSNP rs1413645692, ClinGen allele CA359023136.

ClinVar aggregate classification (germline): Uncertain significance (1 of 4 stars; one submission).

Allele frequency attached by ClinVar (database versions not stated): gnomAD exomes below 0.00001; TOPMed below 0.00001; gnomAD 0.00001.
gnomAD v4.1: 2 of 1,611,806 alleles (0.00012%); highest among the groups gnomAD compares: Non-Finnish European, 0.00017%; no homozygotes.

Submission:

Labcorp Genetics (formerly Invitae), Labcorp
Classification: Uncertain significance. Last evaluated: 2022-02-02. Review status: criteria provided, single submitter. Criteria: Invitae Variant Classification Sherloc (09022015). Collection method: clinical testing. Allele origin: germline.
Comment: This sequence change replaces phenylalanine, which is neutral and non-polar, with cysteine, which is neutral and slightly polar, at codon 798 of the SLC9A3 protein (p.Phe798Cys). This variant is not present in population databases (gnomAD no frequency). This variant has not been reported in the literature in individuals affected with SLC9A3-related conditions. Algorithms developed to predict the effect of missense changes on protein structure and function are either unavailable or do not agree on the potential impact of this missense change (SIFT: "Not Available"; PolyPhen-2: "Probably Damaging"; Align-GVGD: "Not Available"). In summary, the available evidence is currently insufficient to determine the role of this variant in disease. Therefore, it has been classified as a Variant of Uncertain Significance.